The following is an entry in ClinVar:

NM_001170700.3(DTHD1):c.1442A>G (p.Gln481Arg)

Gene: DTHD1 (death domain containing 1; plus strand). Cytogenetic location: 4p14.
Variant type: single nucleotide variant.
Coding change: c.1442A>G on transcript NM_001170700.3 (MANE Select); coding-DNA position 1442, A replaced by G.
Protein change: p.Gln481Arg; replaces glutamine 481 with arginine.
Molecular consequence: missense variant. On other transcripts: non-coding transcript variant (2).
Genome position (GRCh38, 1-based): chr4:36,294,838, A>G. VCF-style: chr4-36294838-A-G. GRCh37 (hg19) VCF-style: chr4-36296460-A-G.
Other names: c.572A>G, p.Gln191Arg (NM_001136536.5); c.509A>G, p.Gln170Arg (NM_001378435.1); short protein forms Q481R, Q170R, Q191R.
Identifiers: ClinVar variation 2069772 (VCV002069772.4), dbSNP rs775552771, ClinGen allele CA2885642.

ClinVar aggregate classification (germline): Uncertain significance (1 of 4 stars; one submission).

Allele frequency attached by ClinVar (database versions not stated): gnomAD exomes below 0.00001; ExAC 0.00004.
gnomAD v4.1: 4 of 1,550,694 alleles (0.00026%); highest among the groups gnomAD compares: Non-Finnish European, 0.00035%; no homozygotes.

Submission:

Labcorp Genetics (formerly Invitae), Labcorp
Classification: Uncertain significance. Last evaluated: 2022-01-02. Review status: criteria provided, single submitter. Criteria: Invitae Variant Classification Sherloc (09022015). Collection method: clinical testing. Allele origin: germline.
Comment: Algorithms developed to predict the effect of missense changes on protein structure and function output the following: SIFT: "Tolerated"; PolyPhen-2: "Benign"; Align-GVGD: "Class C0". The arginine amino acid residue is found in multiple mammalian species, which suggests that this missense change does not adversely affect protein function. In summary, the available evidence is currently insufficient to determine the role of this variant in disease. Therefore, it has been classified as a Variant of Uncertain Significance. This variant has not been reported in the literature in individuals affected with DTHD1-related conditions. This variant is present in population databases (rs775552771, gnomAD 0.01%). This sequence change replaces glutamine, which is neutral and polar, with arginine, which is basic and polar, at codon 191 of the DTHD1 protein (p.Gln191Arg).